The following is an entry in ClinVar:

ClinVar aggregate classification (germline): Uncertain significance. Review status: criteria provided, multiple submitters, no conflicts (2 of 4 stars). 3 submissions from 3 submitters: Uncertain significance (3). Last evaluated 2025-08-14.

Conditions:
Inborn genetic diseases. Identifiers: MedGen C0950123, MeSH D030342.
Cranioectodermal dysplasia 1 (CED1). Also called: LEVIN SYNDROME I. Identifiers: Orphanet 1515, MedGen C0432235, MONDO:0021093, OMIM 218330.

Allele frequency attached by ClinVar (database versions not stated): gnomAD exomes 0.00001 and 0.00004; ExAC 0.00005; gnomAD 0.00009; TOPMed 0.00012; 1000 Genomes Project 30x 0.00016; 1000 Genomes Project 0.00020.
gnomAD v4.1: 29 of 1,613,998 alleles (0.0018%); highest among the groups gnomAD compares: African/African-American, 0.033%; no homozygotes.

Submissions (3):

Ambry Genetics
Classification: Uncertain significance for Inborn genetic diseases. Last evaluated: 2025-08-14. Review status: criteria provided, single submitter. Criteria: Ambry Variant Classification Scheme 2023. Collection method: clinical testing. Allele origin: germline.

Fulgent Genetics
Classification: Uncertain significance for Cranioectodermal dysplasia 1. Last evaluated: 2024-03-22. Review status: criteria provided, single submitter. Criteria: ACMG Guidelines, 2015. Collection method: clinical testing. Allele origin: germline.

Labcorp Genetics (formerly Invitae), Labcorp
Classification: Uncertain significance for Cranioectodermal dysplasia 1. Last evaluated: 2022-06-13. Review status: criteria provided, single submitter. Criteria: Invitae Variant Classification Sherloc (09022015). Collection method: clinical testing. Allele origin: germline.
Comment: This sequence change replaces isoleucine, which is neutral and non-polar, with valine, which is neutral and non-polar, at codon 1049 of the IFT122 protein (p.Ile1049Val). This variant is present in population databases (rs115715082, gnomAD 0.03%). This variant has not been reported in the literature in individuals affected with IFT122-related conditions. Algorithms developed to predict the effect of missense changes on protein structure and function (SIFT, PolyPhen-2, Align-GVGD) all suggest that this variant is likely to be tolerated. In summary, the available evidence is currently insufficient to determine the role of this variant in disease. Therefore, it has been classified as a Variant of Uncertain Significance.

NM_052989.3(IFT122):c.2992A>G (p.Ile998Val)

Gene: IFT122 (intraflagellar transport 122; plus strand). Cytogenetic location: 3q22.1.
Variant type: single nucleotide variant.
Coding change: c.2992A>G on transcript NM_052989.3 (MANE Select); coding-DNA position 2992, A replaced by G.
Protein change: p.Ile998Val; replaces isoleucine 998 with valine.
Molecular consequence: missense variant.
Genome position (GRCh38, 1-based): chr3:129,514,393, A>G. VCF-style: chr3-129514393-A-G. GRCh37 (hg19) VCF-style: chr3-129233236-A-G.
Other names: c.3145A>G (NM_052985.2); c.2971A>G, p.Ile991Val (NM_001280541.2); c.2542A>G, p.Ile848Val (NM_001280545.2); c.2365A>G, p.Ile789Val (NM_001280546.2); c.2815A>G, p.Ile939Val (NM_018262.4); c.3145A>G, p.Ile1049Val (NM_052985.4); c.2662A>G, p.Ile888Val (NM_052990.3); short protein forms I991V, I998V, I888V, I939V, I1049V, I789V, I848V.
Identifiers: ClinVar variation 1413237 (VCV001413237.6), dbSNP rs115715082, ClinGen allele CA2606745.